The following is an entry in ClinVar:

ClinVar aggregate classification (germline): Uncertain significance. Review status: criteria provided, single submitter (1 of 4 stars). 2 submissions from 2 submitters: Uncertain significance (1). 1 of the submissions does not count toward it. Last evaluated 2021-10-21.

Conditions:
Glycine encephalopathy. Also called: Nonketotic hyperglycinemia; Non-ketotic hyperglycinemia. Identifiers: Orphanet 407, MedGen C0751748, MONDO:0011612, HP:0008288.

Allele frequency attached by ClinVar (database versions not stated): TOPMed below 0.00001.
gnomAD v4.1: 8 of 1,610,468 alleles (0.0005%); highest among the groups gnomAD compares: East Asian, 0.0022%; no homozygotes.

Submissions (2):

Labcorp Genetics (formerly Invitae), Labcorp
Classification: Uncertain significance for Glycine encephalopathy. Last evaluated: 2021-10-21. Review status: criteria provided, single submitter. Criteria: Invitae Variant Classification Sherloc (09022015). Collection method: clinical testing. Allele origin: germline.
Comment: This sequence change falls in intron 23 of the GLDC gene. It does not directly change the encoded amino acid sequence of the GLDC protein, but it affects a nucleotide within the consensus splice site of the intron. This variant is present in population databases (rs200680938, ExAC 0.002%). This variant has not been reported in the literature in individuals with GLDC-related conditions. Nucleotide substitutions within the consensus splice site are a relatively common cause of aberrant splicing (PMID: 17576681, 9536098). Algorithms developed to predict the effect of sequence changes on RNA splicing suggest that this variant may disrupt the consensus splice site, but this prediction has not been confirmed by published transcriptional studies. In summary, the available evidence is currently insufficient to determine the role of this variant in disease. Therefore, it has been classified as a Variant of Uncertain Significance.

Natera, Inc.
Classification: Uncertain significance for Non-ketotic hyperglycinemia. Last evaluated: 2025-03-13. Review status: no assertion criteria provided. Collection method: clinical testing. Allele origin: germline. Not counted in ClinVar's aggregate classification.

Literature cited by the submitters: PubMed 17576681 (cited by Labcorp Genetics (formerly Invitae), Labcorp); PubMed 9536098 (cited by Labcorp Genetics (formerly Invitae), Labcorp).

NM_000170.3(GLDC):c.2838+4C>T

Gene: GLDC (glycine decarboxylase; minus strand). Cytogenetic location: 9p24.1.
Variant type: single nucleotide variant.
Coding change: c.2838+4C>T on transcript NM_000170.3 (MANE Select); 4 bases into the intron after coding-DNA position 2838, C replaced by T.
Molecular consequence: intron variant.
Genome position (GRCh38, 1-based): chr9:6,536,060, G>A on the plus strand (C>T on the coding strand, the complement: GLDC is on the minus strand). VCF-style: chr9-6536060-G-A. GRCh37 (hg19) VCF-style: chr9-6536060-G-A.
Other names: c.2838+4C>T (NM_000170.2).
Identifiers: ClinVar variation 1388895 (VCV001388895.4), dbSNP rs200680938, ClinGen allele CA4980058.